The following is an entry in ClinVar:

NM_001081.4(CUBN):c.4264A>G (p.Arg1422Gly)

Gene: CUBN (cubilin; minus strand). Cytogenetic location: 10p13.
Variant type: single nucleotide variant.
Coding change: c.4264A>G on transcript NM_001081.4 (MANE Select); coding-DNA position 4264, A replaced by G.
Protein change: p.Arg1422Gly; replaces arginine 1422 with glycine.
Molecular consequence: missense variant.
Genome position (GRCh38, 1-based): chr10:16,990,420, T>C on the plus strand (A>G on the coding strand, the complement: CUBN is on the minus strand). VCF-style: chr10-16990420-T-C. GRCh37 (hg19) VCF-style: chr10-17032419-T-C.
Other names: short protein forms R1422G.
Identifiers: ClinVar variation 1947455 (VCV001947455.5), dbSNP rs2491735237, ClinGen allele CA376146067.
Genomic context (GRCh38, chr10:16,990,420, plus strand): 5'-AATGATACTCCACATCGAAGTCATGGATGGTGAGCTGAATGCTACTCCCGGGGTCCGTCC[T>C]AATGTACCAGATACACTCCTTGTTTGGTGGATACCTGTTGGGGAACCCGGGGCTGCTGAA-3'
Protein context (NP_001072.2, residues 1412-1432): PPNKECIWYI[Arg1422Gly]TDPGSSIQLT

ClinVar aggregate classification (germline): Uncertain significance (1 of 4 stars; one submission).

Conditions:
Imerslund-Grasbeck syndrome. Also called: Megaloblastic anemia due to inborn errors of metabolism; Imerslund-Gräsbeck syndrome; ENTEROCYTE COBALAMIN MALABSORPTION; ENTEROCYTE INTRINSIC FACTOR RECEPTOR, DEFECT OF; PERNICIOUS ANEMIA, JUVENILE, DUE TO SELECTIVE INTESTINAL MALABSORPTION OF VITAMIN B12, WITH PROTEINURIA. Identifiers: Orphanet 35858, MedGen C4551825, MONDO:0009853.

Allele frequency attached by ClinVar (database versions not stated): gnomAD exomes below 0.00001.
gnomAD v4.1: 1 of 1,614,182 alleles (0.000062%); highest among the groups gnomAD compares: Non-Finnish European, 0.000085%; no homozygotes.

Submission:

Labcorp Genetics (formerly Invitae), Labcorp
Classification: Uncertain significance for Imerslund-Grasbeck syndrome. Last evaluated: 2022-01-04. Review status: criteria provided, single submitter. Criteria: Invitae Variant Classification Sherloc (09022015). Collection method: clinical testing. Allele origin: germline.
Comment: This sequence change replaces arginine, which is basic and polar, with glycine, which is neutral and non-polar, at codon 1422 of the CUBN protein (p.Arg1422Gly). This variant is not present in population databases (gnomAD no frequency). This variant has not been reported in the literature in individuals affected with CUBN-related conditions. Algorithms developed to predict the effect of missense changes on protein structure and function (SIFT, PolyPhen-2, Align-GVGD) all suggest that this variant is likely to be tolerated. In summary, the available evidence is currently insufficient to determine the role of this variant in disease. Therefore, it has been classified as a Variant of Uncertain Significance.